The following is an entry in ClinVar:

NC_000022.11:g.40346402G>A

Gene: ADSL (adenylosuccinate lyase; plus strand). Cytogenetic location: 22q13.1.
Variant type: single nucleotide variant.
Genome position: GRCh38 VCF-style: chr22-40346402-G-A. GRCh37 (hg19) VCF-style: chr22-40742406-G-A.
Identifiers: ClinVar variation 1420975 (VCV001420975.4), dbSNP rs181976442, ClinGen allele CA324446857.
Genomic context (GRCh38, chr22:40,346,402, plus strand): 5'-GCATCAATCATGTTTCTGGTCAAAGAAGCGAACCAAGTCAATTCTCAGGCAGAAGCAGCG[G>A]AGATTCTCCGCAGCCGGCAGCGCCCAGGGCGCCCGGAACCCAGAGAGCGAGACCGCGTGA-3'

ClinVar aggregate classification (germline): Uncertain significance (1 of 4 stars; one submission).

Conditions:
Adenylosuccinate lyase deficiency (ADSLD). Also called: ADSL DEFICIENCY. Identifiers: Orphanet 46, MedGen C0268126, MONDO:0007068, OMIM 103050.

Allele frequency attached by ClinVar (database versions not stated): 1000 Genomes Project 0.00020; 1000 Genomes Project 30x 0.00031.

Submission:

Labcorp Genetics (formerly Invitae), Labcorp
Classification: Uncertain significance for Adenylosuccinate lyase deficiency. Last evaluated: 2022-06-24. Review status: criteria provided, single submitter. Criteria: Invitae Variant Classification Sherloc (09022015). Collection method: clinical testing. Allele origin: germline.
Comment: This variant occurs in a non-coding region of the ADSL gene. It does not change the encoded amino acid sequence of the ADSL protein. This variant is present in population databases (rs181976442, gnomAD 0.007%). This variant has not been reported in the literature in individuals affected with ADSL-related conditions. Experimental studies and prediction algorithms are not available or were not evaluated, and the functional significance of this variant is currently unknown. In summary, the available evidence is currently insufficient to determine the role of this variant in disease. Therefore, it has been classified as a Variant of Uncertain Significance.